The following is an entry in ClinVar:

NM_001330360.2(POLA1):c.101A>G (p.Lys34Arg)

Gene: POLA1 (DNA polymerase alpha 1, catalytic subunit; plus strand). Cytogenetic location: Xp22.11.
Variant type: single nucleotide variant.
Coding change: c.101A>G on transcript NM_001330360.2 (MANE Select); coding-DNA position 101, A replaced by G.
Protein change: p.Lys34Arg; replaces lysine 34 with arginine.
Molecular consequence: missense variant. On other transcripts: non-coding transcript variant (2).
Genome position (GRCh38, 1-based): chrX:24,699,482, A>G. VCF-style: chrX-24699482-A-G. GRCh37 (hg19) VCF-style: chrX-24717599-A-G.
Other names: c.101A>G, p.Lys34Arg (NM_001378303.1); c.83A>G, p.Lys28Arg (NM_016937.4); short protein forms K28R, K34R.
Identifiers: ClinVar variation 1708683 (VCV001708683.2), dbSNP rs2518705936, ClinGen allele CA412609879.

ClinVar aggregate classification (germline): Uncertain significance (1 of 4 stars; one submission).

Submission:

GeneDx
Classification: Uncertain significance. Last evaluated: 2022-04-20. Review status: criteria provided, single submitter. Criteria: GeneDx Variant Classification Process June 2021. Collection method: clinical testing. Allele origin: germline. Affected: yes.
Comment: Not observed at significant frequency in large population cohorts (gnomAD); In silico analysis supports that this missense variant does not alter protein structure/function; Has not been previously published as pathogenic or benign to our knowledge